The following is an entry in ClinVar:

NC_000019.9:g.(?_42489050)_(42490401_?)del

Gene: ATP1A3 (ATPase Na+/K+ transporting subunit alpha 3; minus strand). Cytogenetic location: 19q13.2.
Variant type: Deletion.
Identifiers: ClinVar variation 2427355 (VCV002427355.4).

ClinVar aggregate classification (germline): Pathogenic (1 of 4 stars; one submission).

Conditions:
Dystonia 12 (DYT12). Also called: DYT-ATP1A3; Rapid-Onset Dystonia-Parkinsonism (RDP). Identifiers: Orphanet 71517, MedGen C1868681, MONDO:0007496, OMIM 128235.

Submission:

Labcorp Genetics (formerly Invitae), Labcorp
Classification: Pathogenic for Dystonia 12. Last evaluated: 2023-10-04. Review status: criteria provided, single submitter. Criteria: Invitae Variant Classification Sherloc (09022015). Collection method: clinical testing. Allele origin: germline.
Comment: This variant is a gross deletion of the genomic region encompassing exon(s) 5-8 of the ATP1A3 gene. This variant would be expected to be in-frame, preserving the integrity of the reading frame. This variant has not been reported in the literature in individuals affected with ATP1A3-related conditions. This variant disrupts a region of the ATP1A3 protein in which other variant(s) (p.Leu326Arg) have been determined to be pathogenic (PMID: 26297560, 26410222; Invitae). This suggests that this is a clinically significant region of the protein, and that variants that disrupt it are likely to be disease-causing. For these reasons, this variant has been classified as Pathogenic.

Literature cited by the submitters: PubMed 26297560; PubMed 26410222.